The following is an entry in ClinVar:

NM_000059.4(BRCA2):c.2030C>A (p.Ser677Tyr)

Gene: BRCA2 (BRCA2 DNA repair associated; plus strand). Cytogenetic location: 13q13.1.
Variant type: single nucleotide variant.
Coding change: c.2030C>A on transcript NM_000059.4 (MANE Select); coding-DNA position 2030, C replaced by A.
Protein change: p.Ser677Tyr; replaces serine 677 with tyrosine.
Molecular consequence: missense variant.
Genome position (GRCh38, 1-based): chr13:32,336,385, C>A. VCF-style: chr13-32336385-C-A. GRCh37 (hg19) VCF-style: chr13-32910522-C-A.
Other names: short protein forms S677Y.
Identifiers: ClinVar variation 662451 (VCV000662451.12), dbSNP rs1555282410, ClinGen allele CA387768873.
Genomic context (GRCh38, chr13:32,336,385, plus strand): 5'-TGTCCTTAACTAGCTCTTTTGGGACAATTCTGAGGAAATGTTCTAGAAATGAAACATGTT[C>A]TAATAATACAGTAATCTCTCAGGATCTTGATTATAAAGAAGCAAAATGTAATAAGGAAAA-3'
Protein context (NP_000050.3, residues 667-687): LRKCSRNETC[Ser677Tyr]NNTVISQDLD

ClinVar aggregate classification (germline): Conflicting classifications of pathogenicity. Review status: criteria provided, conflicting classifications (1 of 4 stars). 4 submissions from 4 submitters: Uncertain significance (3); Likely benign (1). Last evaluated 2025-07-25.

Conditions:
Hereditary cancer-predisposing syndrome. Also called: Neoplastic Syndromes, Hereditary; Tumor predisposition; Hereditary neoplastic syndrome; Hereditary Cancer Syndrome. Identifiers: Orphanet 140162, MedGen C0027672, MeSH D009386, MONDO:0015356.
Hereditary breast ovarian cancer syndrome. Also called: Hereditary breast and ovarian cancer syndrome (HBOC); Hereditary breast and ovarian cancer syndrome; Breast and ovarian cancer; Hereditary breast and ovarian cancer; Hereditary breast and/or ovarian cancer syndrome; BRCA1- and BRCA2-Associated Hereditary Breast and Ovarian Cancer. Identifiers: Orphanet 145, MedGen C0677776, MeSH D061325, MONDO:0003582. Disease mechanism: loss of function.
Breast and/or ovarian cancer. Identifiers: MedGen CN221562.

Allele frequency attached by ClinVar (database versions not stated): gnomAD exomes below 0.00001.
gnomAD v4.1: 2 of 1,612,256 alleles (0.00012%); highest among the groups gnomAD compares: South Asian, 0.0022%; no homozygotes.

Submissions (4):

Ambry Genetics
Classification: Uncertain significance for Hereditary cancer-predisposing syndrome. Last evaluated: 2025-07-25. Review status: criteria provided, single submitter. Criteria: Ambry Variant Classification Scheme 2023. Collection method: clinical testing. Allele origin: germline.
Comment: The p.S677Y variant (also known as c.2030C>A), located in coding exon 10 of the BRCA2 gene, results from a C to A substitution at nucleotide position 2030. The serine at codon 677 is replaced by tyrosine, an amino acid with dissimilar properties. This amino acid position is conserved. In addition, this alteration is predicted to be tolerated by in silico analysis. Based on the available evidence, the clinical significance of this variant remains unclear.

Labcorp Genetics (formerly Invitae), Labcorp
Classification: Uncertain significance for Hereditary breast ovarian cancer syndrome. Last evaluated: 2023-11-17. Review status: criteria provided, single submitter. Criteria: Invitae Variant Classification Sherloc (09022015). Collection method: clinical testing. Allele origin: germline.
Comment: This sequence change replaces serine, which is neutral and polar, with tyrosine, which is neutral and polar, at codon 677 of the BRCA2 protein (p.Ser677Tyr). This variant is not present in population databases (gnomAD no frequency). This variant has not been reported in the literature in individuals affected with BRCA2-related conditions. ClinVar contains an entry for this variant (Variation ID: 662451). Advanced modeling of protein sequence and biophysical properties (such as structural, functional, and spatial information, amino acid conservation, physicochemical variation, residue mobility, and thermodynamic stability) performed at Invitae indicates that this missense variant is not expected to disrupt BRCA2 protein function with a negative predictive value of 95%. In summary, the available evidence is currently insufficient to determine the role of this variant in disease. Therefore, it has been classified as a Variant of Uncertain Significance.

University of Washington Department of Laboratory Medicine, University of Washington
Classification: Likely benign for Hereditary cancer-predisposing syndrome. Last evaluated: 2023-03-23. Review status: criteria provided, single submitter. Criteria: Dines et al. (Genet Med. 2020). Collection method: curation. Allele origin: germline.
Comment: Missense variant in a coldspot region where missense variants are very unlikely to be pathogenic (PMID:31911673).

BRCA2 exon 11 coldspot. Reclassification based on statistical prior probability.

CHEO Genetics Diagnostic Laboratory, Children's Hospital of Eastern Ontario
Classification: Uncertain significance for Breast and/or ovarian cancer. Last evaluated: 2022-05-05. Review status: criteria provided, single submitter. Criteria: ACMG Guidelines, 2015. Collection method: clinical testing. Allele origin: germline.